The following is an entry in ClinVar:

NM_000069.3(CACNA1S):c.1393+16G>A

Gene: CACNA1S (calcium voltage-gated channel subunit alpha1 S; minus strand). Cytogenetic location: 1q32.1.
Variant type: single nucleotide variant.
Coding change: c.1393+16G>A on transcript NM_000069.3 (MANE Select); 16 bases into the intron after coding-DNA position 1393, G replaced by A.
Molecular consequence: intron variant.
Genome position (GRCh38, 1-based): chr1:201,083,146, C>T on the plus strand (G>A on the coding strand, the complement: CACNA1S is on the minus strand). VCF-style: chr1-201083146-C-T. GRCh37 (hg19) VCF-style: chr1-201052274-C-T.
Identifiers: ClinVar variation 254791 (VCV000254791.11), dbSNP rs374866886, ClinGen allele CA078185.

ClinVar aggregate classification (germline): Likely benign. Review status: criteria provided, multiple submitters, no conflicts (2 of 4 stars). 8 submissions from 5 submitters: Likely benign (8). Last evaluated 2026-01-25.

Conditions:
Congenital myopathy 18. Also called: Myopathy, congenital, due to dihydropyridine receptor defect; DIHYDROPYRIDINE RECEPTOR CONGENITAL MYOPATHY; DHPR CONGENITAL MYOPATHY. Identifiers: MedGen C5830283, MONDO:0859514, OMIM 620246.
Hypokalemic periodic paralysis, type 1. Also called: Hypokalemic Periodic Paralysis Type 1 (AD); HypoPP. Identifiers: Orphanet 681, MedGen C3714580, MONDO:0042979, OMIM 170400.
Malignant hyperthermia, susceptibility to, 5 (MHS5). Also called: CACNA1S-Related Malignant Hyperthermia Susceptibility. Identifiers: Orphanet 423, MedGen C1866077, MONDO:0011163, OMIM 601887.
Thyrotoxic periodic paralysis, susceptibility to, 1 (TTPP1). Identifiers: Orphanet 79102, MedGen C2749982, MONDO:0008570, OMIM 188580.

Allele frequency attached by ClinVar (database versions not stated): TOPMed 0.00004; gnomAD 0.00005 and 0.00006; gnomAD exomes 0.00008; ExAC 0.00010; ESP Exome Variant Server 0.00015.
gnomAD v4.1: 99 of 1,613,306 alleles (0.0061%); highest among the groups gnomAD compares: Middle Eastern, 0.084%; no homozygotes.

Submissions (8):

Labcorp Genetics (formerly Invitae), Labcorp
Classification: Likely benign for Hypokalemic periodic paralysis, type 1; Malignant hyperthermia, susceptibility to, 5. Last evaluated: 2026-01-25. Review status: criteria provided, single submitter. Criteria: Invitae Variant Classification Sherloc (09022015). Collection method: clinical testing. Allele origin: germline.

Blueprint Genetics
Classification: Likely benign. Last evaluated: 2024-11-06. Review status: criteria provided, single submitter. Criteria: ACMG Guidelines, 2015. Collection method: clinical testing. Allele origin: germline.

Genome-Nilou Lab
Classification: Likely benign for Malignant hyperthermia, susceptibility to, 5. Last evaluated: 2023-04-11. Review status: criteria provided, single submitter. Criteria: ACMG Guidelines, 2015. Collection method: clinical testing. Allele origin: germline. Affected: no.

Genome-Nilou Lab
Classification: Likely benign for Thyrotoxic periodic paralysis, susceptibility to, 1. Last evaluated: 2023-04-11. Review status: criteria provided, single submitter. Criteria: ACMG Guidelines, 2015. Collection method: clinical testing. Allele origin: germline. Affected: no.

Genome-Nilou Lab
Classification: Likely benign for Congenital myopathy 18. Last evaluated: 2023-04-11. Review status: criteria provided, single submitter. Criteria: ACMG Guidelines, 2015. Collection method: clinical testing. Allele origin: germline. Affected: no.

Genome-Nilou Lab
Classification: Likely benign for Hypokalemic periodic paralysis, type 1. Last evaluated: 2023-04-11. Review status: criteria provided, single submitter. Criteria: ACMG Guidelines, 2015. Collection method: clinical testing. Allele origin: germline. Affected: no.

GeneDx
Classification: Likely benign. Last evaluated: 2016-06-28. Review status: criteria provided, single submitter. Criteria: GeneDx Variant Classification (06012015). Collection method: clinical testing. Allele origin: germline. Affected: yes.
Comment: This variant is considered likely benign or benign based on one or more of the following criteria: it is a conservative change, it occurs at a poorly conserved position in the protein, it is predicted to be benign by multiple in silico algorithms, and/or has population frequency not consistent with disease.

PreventionGenetics, part of Exact Sciences
Classification: Likely benign. Review status: criteria provided, single submitter. Criteria: ACMG Guidelines, 2015. Collection method: clinical testing. Allele origin: germline.